The following is an entry in ClinVar:

ClinVar aggregate classification (germline): Uncertain significance. Review status: criteria provided, multiple submitters, no conflicts (2 of 4 stars). 3 submissions from 3 submitters: Uncertain significance (3). Last evaluated 2026-08-25.

Conditions:
Adams-Oliver syndrome 5 (AOS5). Identifiers: Orphanet 974, MedGen C4014970, MONDO:0014459, OMIM 616028.
Familial thoracic aortic aneurysm and aortic dissection (TAAD). Also called: Thoracic aortic aneurysms and dissections. Identifiers: Orphanet 91387, MedGen C4707243, MONDO:0019625.
NOTCH1-related disorder. Also called: NOTCH1-related disorders; NOTCH1-related condition.

Allele frequency attached by ClinVar (database versions not stated): TOPMed below 0.00001; ExAC 0.00001.
gnomAD v4.1: 3 of 1,613,242 alleles (0.00019%); highest among the groups gnomAD compares: South Asian, 0.0011%; no homozygotes.

Submissions (3):

PreventionGenetics, part of Exact Sciences
Classification: Uncertain significance for NOTCH1-related condition. Last evaluated: 2026-08-25. Review status: criteria provided, single submitter. Criteria: ACMG Guidelines, 2015. Collection method: clinical testing. Allele origin: germline.
Comment: The NOTCH1 c.3181C>T variant is predicted to result in the amino acid substitution p.His1061Tyr. To our knowledge, this variant has not been reported in the literature or in a large population database (gnomAD), indicating this variant is rare. At this time, the clinical significance of this variant is uncertain due to the absence of conclusive functional and genetic evidence.

Labcorp Genetics (formerly Invitae), Labcorp
Classification: Uncertain significance for Adams-Oliver syndrome 5. Last evaluated: 2023-10-17. Review status: criteria provided, single submitter. Criteria: Invitae Variant Classification Sherloc (09022015). Collection method: clinical testing. Allele origin: germline.
Comment: This sequence change replaces histidine, which is basic and polar, with tyrosine, which is neutral and polar, at codon 1061 of the NOTCH1 protein (p.His1061Tyr). This variant is not present in population databases (gnomAD no frequency). This variant has not been reported in the literature in individuals affected with NOTCH1-related conditions. ClinVar contains an entry for this variant (Variation ID: 970674). Advanced modeling of protein sequence and biophysical properties (such as structural, functional, and spatial information, amino acid conservation, physicochemical variation, residue mobility, and thermodynamic stability) has been performed at Invitae for this missense variant, however the output from this modeling did not meet the statistical confidence thresholds required to predict the impact of this variant on NOTCH1 protein function. In summary, the available evidence is currently insufficient to determine the role of this variant in disease. Therefore, it has been classified as a Variant of Uncertain Significance.

Ambry Genetics
Classification: Uncertain significance for Familial thoracic aortic aneurysm and aortic dissection. Last evaluated: 2021-11-29. Review status: criteria provided, single submitter. Criteria: Ambry Variant Classification Scheme 2023. Collection method: clinical testing. Allele origin: germline.
Comment: The p.H1061Y variant (also known as c.3181C>T), located in coding exon 20 of the NOTCH1 gene, results from a C to T substitution at nucleotide position 3181. The histidine at codon 1061 is replaced by tyrosine, an amino acid with similar properties. This amino acid position is conserved. In addition, this alteration is predicted to be tolerated by in silico analysis. Since supporting evidence is limited at this time, the clinical significance of this alteration remains unclear.

NM_017617.5(NOTCH1):c.3181C>T (p.His1061Tyr)

Gene: NOTCH1 (notch receptor 1; minus strand). Cytogenetic location: 9q34.3.
Variant type: single nucleotide variant.
Coding change: c.3181C>T on transcript NM_017617.5 (MANE Select); coding-DNA position 3181, C replaced by T.
Protein change: p.His1061Tyr; replaces histidine 1061 with tyrosine.
Molecular consequence: missense variant.
Genome position (GRCh38, 1-based): chr9:136,508,376, G>A on the plus strand (C>T on the coding strand, the complement: NOTCH1 is on the minus strand). VCF-style: chr9-136508376-G-A. GRCh37 (hg19) VCF-style: chr9-139402828-G-A.
Other names: c.3181C>T (NM_017617.4); short protein forms H1061Y.
Identifiers: ClinVar variation 970674 (VCV000970674.12), dbSNP rs766126767, ClinGen allele CA5341022.